The following is an entry in ClinVar:

NM_003846.3(PEX11B):c.484G>C (p.Gly162Arg)

Gene: PEX11B (peroxisomal biogenesis factor 11 beta; minus strand). Cytogenetic location: 1q21.1.
Variant type: single nucleotide variant.
Coding change: c.484G>C on transcript NM_003846.3 (MANE Select); coding-DNA position 484, G replaced by C.
Protein change: p.Gly162Arg; replaces glycine 162 with arginine.
Molecular consequence: missense variant. On other transcripts: non-coding transcript variant (3).
Genome position (GRCh38, 1-based): chr1:145,912,457, C>G on the plus strand (G>C on the coding strand, the complement: PEX11B is on the minus strand). VCF-style: chr1-145912457-C-G. GRCh37 (hg19) VCF-style: chr1-145522623-G-C.
Other names: c.442G>C, p.Gly148Arg (NM_001184795.1); short protein forms G148R, G162R.
Identifiers: ClinVar variation 1390576 (VCV001390576.6), dbSNP rs150545856, ClinGen allele CA342121342.
Genomic context (GRCh38, chr1:145,912,457, plus strand): 5'-CTCCTCCTGGAGTCCCTGGTCCCCCAAGTCCCCCAGTTTCACTTCCTCCTGGGACTCCTC[C>G]TCCAGAACCTTTCAGTCGCCGGCTACAAGCAGAAGACTCTTGCTCCATCAGTAGGCGAAT-3'
Protein context (NP_003837.1, residues 152-172): ACSRRLKGSG[Gly162Arg]GVPGGSETGG

ClinVar aggregate classification (germline): Uncertain significance (1 of 4 stars; one submission).

gnomAD v4.1: 6 of 1,527,134 alleles (0.00039%); highest among the groups gnomAD compares: Middle Eastern, 0.018%; no homozygotes.

Submission:

Labcorp Genetics (formerly Invitae), Labcorp
Classification: Uncertain significance. Last evaluated: 2022-08-16. Review status: criteria provided, single submitter. Criteria: Invitae Variant Classification Sherloc (09022015). Collection method: clinical testing. Allele origin: germline.
Comment: ClinVar contains an entry for this variant (Variation ID: 1390576). This variant has not been reported in the literature in individuals affected with PEX11B-related conditions. This variant is not present in population databases (gnomAD no frequency). This sequence change replaces glycine, which is neutral and non-polar, with arginine, which is basic and polar, at codon 162 of the PEX11B protein (p.Gly162Arg). Algorithms developed to predict the effect of missense changes on protein structure and function (SIFT, PolyPhen-2, Align-GVGD) all suggest that this variant is likely to be tolerated. In summary, the available evidence is currently insufficient to determine the role of this variant in disease. Therefore, it has been classified as a Variant of Uncertain Significance.